The following is an entry in ClinVar:

NM_000057.4(BLM):c.3023A>T (p.Glu1008Val)

Gene: BLM (BLM RecQ like helicase; plus strand). Cytogenetic location: 15q26.1.
Variant type: single nucleotide variant.
Coding change: c.3023A>T on transcript NM_000057.4 (MANE Select); coding-DNA position 3023, A replaced by T.
Protein change: p.Glu1008Val; replaces glutamic acid 1008 with valine.
Molecular consequence: missense variant.
Genome position (GRCh38, 1-based): chr15:90,794,170, A>T. VCF-style: chr15-90794170-A-T. GRCh37 (hg19) VCF-style: chr15-91337400-A-T.
Other names: c.3023A>T, p.Glu1008Val (NM_001287246.2, NM_001287247.2); c.1898A>T, p.Glu633Val (NM_001287248.2); short protein forms E1008V, E633V.
Identifiers: ClinVar variation 966071 (VCV000966071.12), dbSNP rs1896971371, ClinGen allele CA393846656.
Genomic context (GRCh38, chr15:90,794,170, plus strand): 5'-GATATGCTCTATTTTTCCCCTATAAGTATGTCTTACTATAGTCTTCATCTCTTTTAGTGG[A>T]AAAAGATGGAAACCATCATACAAGAGAAACTCACTTCAATAATTTGTATAGCATGGTACA-3'
Protein context (NP_000048.1, residues 998-1018): VTRLKRLIMM[Glu1008Val]KDGNHHTRET

ClinVar aggregate classification (germline): Uncertain significance. Review status: criteria provided, multiple submitters, no conflicts (2 of 4 stars). 2 submissions from 2 submitters: Uncertain significance (2). Last evaluated 2022-06-28.

Conditions:
Hereditary cancer-predisposing syndrome. Also called: Hereditary neoplastic syndrome; Neoplastic Syndromes, Hereditary; Hereditary Cancer Syndrome; Tumor predisposition. Identifiers: Orphanet 140162, MedGen C0027672, MeSH D009386, MONDO:0015356.
Bloom syndrome (BLM). Also called: Bloom-Torre-Machacek syndrome. Identifiers: Orphanet 125, MedGen C0005859, MONDO:0008876, OMIM 210900.

Submissions (2):

Ambry Genetics
Classification: Uncertain significance for Hereditary cancer-predisposing syndrome. Last evaluated: 2022-06-28. Review status: criteria provided, single submitter. Criteria: Ambry Variant Classification Scheme 2023. Collection method: clinical testing. Allele origin: germline.
Comment: The p.E1008V variant (also known as c.3023A>T), located in coding exon 15 of the BLM gene, results from an A to T substitution at nucleotide position 3023. The glutamic acid at codon 1008 is replaced by valine, an amino acid with dissimilar properties. This amino acid position is conserved. In addition, the in silico prediction for this alteration is inconclusive. Since supporting evidence is limited at this time, the clinical significance of this alteration remains unclear.

Labcorp Genetics (formerly Invitae), Labcorp
Classification: Uncertain significance for Bloom syndrome. Last evaluated: 2019-11-16. Review status: criteria provided, single submitter. Criteria: Invitae Variant Classification Sherloc (09022015). Collection method: clinical testing. Allele origin: germline.
Comment: In summary, the available evidence is currently insufficient to determine the role of this variant in disease. Therefore, it has been classified as a Variant of Uncertain Significance. Algorithms developed to predict the effect of sequence changes on RNA splicing suggest that this variant may create or strengthen a splice site, but this prediction has not been confirmed by published transcriptional studies. Algorithms developed to predict the effect of missense changes on protein structure and function are either unavailable or do not agree on the potential impact of this missense change (SIFT: "Deleterious"; PolyPhen-2: "Probably Damaging"; Align-GVGD: "Class C0"). This variant has not been reported in the literature in individuals with BLM-related conditions. This variant is not present in population databases (ExAC no frequency). This sequence change replaces glutamic acid with valine at codon 1008 of the BLM protein (p.Glu1008Val). The glutamic acid residue is moderately conserved and there is a moderate physicochemical difference between glutamic acid and valine.